The following is an entry in ClinVar:

ClinVar aggregate classification (germline): Uncertain significance (1 of 4 stars; one submission).

Submission:

Labcorp Genetics (formerly Invitae), Labcorp
Classification: Uncertain significance. Last evaluated: 2025-08-10. Review status: criteria provided, single submitter. Criteria: Invitae Variant Classification Sherloc (09022015). Collection method: clinical testing. Allele origin: germline.
Comment: This sequence change replaces aspartic acid, which is acidic and polar, with valine, which is neutral and non-polar, at codon 978 of the COL11A2 protein (p.Asp978Val). This variant is not present in population databases (gnomAD no frequency). This variant has not been reported in the literature in individuals affected with COL11A2-related conditions. Invitae Evidence Modeling of protein sequence and biophysical properties (such as structural, functional, and spatial information, amino acid conservation, physicochemical variation, residue mobility, and thermodynamic stability) indicates that this missense variant is not expected to disrupt COL11A2 protein function with a negative predictive value of 95%. In summary, the available evidence is currently insufficient to determine the role of this variant in disease. Therefore, it has been classified as a Variant of Uncertain Significance.

NM_080680.3(COL11A2):c.2933A>T (p.Asp978Val)

Gene: COL11A2 (collagen type XI alpha 2 chain; minus strand). Cytogenetic location: 6p21.32.
Variant type: single nucleotide variant.
Coding change: c.2933A>T on transcript NM_080680.3 (MANE Select); coding-DNA position 2933, A replaced by T.
Protein change: p.Asp978Val; replaces aspartic acid 978 with valine.
Molecular consequence: missense variant.
Genome position (GRCh38, 1-based): chr6:33,172,344, T>A on the plus strand (A>T on the coding strand, the complement: COL11A2 is on the minus strand). VCF-style: chr6-33172344-T-A. GRCh37 (hg19) VCF-style: chr6-33140121-T-A.
Other names: c.2753A>T, p.Asp918Val (NM_001424108.1); c.2087A>T, p.Asp696Val (NM_001424109.1); c.1907A>T, p.Asp636Val (NM_001424110.1, NM_001424111.1); c.887A>T, p.Asp296Val (NM_001424112.1); c.2612A>T, p.Asp871Val (NM_080679.3); c.2675A>T, p.Asp892Val (NM_080681.3); short protein forms D296V, D636V, D696V, D871V, D892V, D918V, D978V.
Identifiers: ClinVar variation 4801315 (VCV004801315.1).